The following is an entry in ClinVar:

ClinVar aggregate classification (germline): Likely benign (1 of 4 stars; one submission).

Allele frequency attached by ClinVar (database versions not stated): gnomAD 0.01072 and 0.01141; TOPMed 0.01173; 1000 Genomes Project 30x 0.01452; 1000 Genomes Project 0.01478.
gnomAD v4.1: 1,620 of 152,232 alleles (1.1%); highest among the groups gnomAD compares: African/African-American, 3.6%; 21 homozygotes.

Submission:

GeneDx
Classification: Likely benign. Last evaluated: 2018-06-14. Review status: criteria provided, single submitter. Criteria: GeneDx Variant Classification (06012015). Collection method: clinical testing. Allele origin: germline. Affected: yes.
Comment: This variant is considered likely benign or benign based on one or more of the following criteria: it is a conservative change, it occurs at a poorly conserved position in the protein, it is predicted to be benign by multiple in silico algorithms, and/or has population frequency not consistent with disease.

NM_001134407.3(GRIN2A):c.1328+160T>C

Gene: GRIN2A (glutamate ionotropic receptor NMDA type subunit 2A; minus strand). Cytogenetic location: 16p13.2.
Variant type: single nucleotide variant.
Coding change: c.1328+160T>C on transcript NM_001134407.3 (MANE Select); 160 bases into the intron after coding-DNA position 1328, T replaced by C.
Molecular consequence: intron variant.
Genome position (GRCh38, 1-based): chr16:9,849,596, A>G on the plus strand (T>C on the coding strand, the complement: GRIN2A is on the minus strand). VCF-style: chr16-9849596-A-G. GRCh37 (hg19) VCF-style: chr16-9943453-A-G.
Other names: c.1328+160T>C (NM_001134408.2, NM_000833.5).
Identifiers: ClinVar variation 677398 (VCV000677398.1), dbSNP rs111788205, ClinGen allele CA278182600.
Genomic context (GRCh38, chr16:9,849,596, plus strand): 5'-CTCACCTCATATTGCTGGTGGAATTAAATGAATGCAAGTGTGGCACATCTCTAGGAATTT[A>G]TCTAAGTCTTTTTTAAATTGATTATTGTATTATACCTACTATAACGACGTGTATTTTCTA-3'